The following is an entry in ClinVar:

NM_007075.4(WDR45):c.-50GAAA[1]

Gene: WDR45 (WD repeat domain 45; minus strand). Cytogenetic location: Xp11.23.
Variant type: Microsatellite.
Coding change: c.-50GAAA[1] on transcript NM_007075.4; one copy of the 4-base unit GAAA starting at c.-50; the reference has two copies in a row; one copy, 4 bases deleted.
Molecular consequence: 5 prime UTR variant.
Genome position (GRCh38, 1-based): chrX:49,100,230-49,100,233, TTTC deleted on the plus strand (GAAA on the coding strand, the reverse complement: WDR45 is on the minus strand); deleting any 4 consecutive bases within chrX:49,100,230-49,100,240 gives the same sequence; the position shown is the placement nearest the transcript's 3' end. VCF-style (leftmost placement, unchanged base first): chrX-49100229-TTTTC-T. GRCh37 (hg19) VCF-style: chrX-48957167-TTTTC-T.
Other names: c.-46_-43delGAAA (NM_007075.3).
Identifiers: ClinVar variation 506309 (VCV000506309.3), dbSNP rs1198593064, ClinGen allele CA641519378.

ClinVar aggregate classification (germline): Likely benign (1 of 4 stars; one submission).

Submission:

GeneDx
Classification: Likely benign. Last evaluated: 2017-08-03. Review status: criteria provided, single submitter. Criteria: GeneDx Variant Classification (06012015). Collection method: clinical testing. Allele origin: germline. Affected: yes.
Comment: This variant is considered likely benign or benign based on one or more of the following criteria: it is a conservative change, it occurs at a poorly conserved position in the protein, it is predicted to be benign by multiple in silico algorithms, and/or has population frequency not consistent with disease.